The following is an entry in ClinVar:

ClinVar aggregate classification (germline): Uncertain significance (1 of 4 stars; one submission).

Submission:

GeneDx
Classification: Uncertain significance. Last evaluated: 2022-05-16. Review status: criteria provided, single submitter. Criteria: GeneDx Variant Classification Process June 2021. Collection method: clinical testing. Allele origin: germline. Affected: yes.
Comment: Not observed at significant frequency in large population cohorts (gnomAD); In silico analysis supports that this missense variant does not alter protein structure/function; Has not been previously published as pathogenic or benign to our knowledge

NM_006494.4(ERF):c.641T>C (p.Leu214Pro)

Gene: ERF (ETS2 repressor factor; minus strand). Cytogenetic location: 19q13.2.
Variant type: single nucleotide variant.
Coding change: c.641T>C on transcript NM_006494.4 (MANE Select); coding-DNA position 641, T replaced by C.
Protein change: p.Leu214Pro; replaces leucine 214 with proline.
Molecular consequence: missense variant.
Genome position (GRCh38, 1-based): chr19:42,249,471, A>G on the plus strand (T>C on the coding strand, the complement: ERF is on the minus strand). VCF-style: chr19-42249471-A-G. GRCh37 (hg19) VCF-style: chr19-42753623-A-G.
Other names: c.416T>C, p.Leu139Pro (NM_001301035.2, NM_001308402.2, NM_001312656.2); short protein forms L139P, L214P.
Identifiers: ClinVar variation 1800531 (VCV001800531.1), dbSNP rs2513522748, ClinGen allele CA406111268.
Genomic context (GRCh38, chr19:42,249,471, plus strand): 5'-ACTCGGAAGACACCAGGGTCATGGGGCAGGCGGGCCAGCGGGGGCCCTCGGAAGGCACCC[A>G]GATCCGGAGGGCCGGGTGGTCGGGCGCGGGGATCCTCTCCCAGCGGTTCCTCCAGCTCTG-3'
Protein context (NP_006485.2, residues 204-224): PRARPPGPPD[Leu214Pro]GAFRGPPLAR